The following is an entry in ClinVar:

NM_031844.3(HNRNPU):c.617G>A (p.Gly206Asp)

Gene: HNRNPU (heterogeneous nuclear ribonucleoprotein U; minus strand). Cytogenetic location: 1q44.
Variant type: single nucleotide variant.
Coding change: c.617G>A on transcript NM_031844.3 (MANE Select); coding-DNA position 617, G replaced by A.
Protein change: p.Gly206Asp; replaces glycine 206 with aspartic acid.
Molecular consequence: missense variant.
Genome position (GRCh38, 1-based): chr1:244,863,691, C>T on the plus strand (G>A on the coding strand, the complement: HNRNPU is on the minus strand). VCF-style: chr1-244863691-C-T. GRCh37 (hg19) VCF-style: chr1-245026993-C-T.
Other names: c.617G>A, p.Gly206Asp (NM_004501.3); short protein forms G206D.
Identifiers: ClinVar variation 4746154 (VCV004746154.1).

ClinVar aggregate classification (germline): Uncertain significance (1 of 4 stars; one submission).

Conditions:
Developmental and epileptic encephalopathy, 54. Also called: HNRNPU-Related Neurodevelopmental Disorder; Epileptic encephalopathy, early infantile, 54. Identifiers: MedGen C4479319, MONDO:0033363, OMIM 617391.

Submission:

Labcorp Genetics (formerly Invitae), Labcorp
Classification: Uncertain significance for Developmental and epileptic encephalopathy, 54. Last evaluated: 2025-08-03. Review status: criteria provided, single submitter. Criteria: Invitae Variant Classification Sherloc (09022015). Collection method: clinical testing. Allele origin: germline.
Comment: This sequence change replaces glycine, which is neutral and non-polar, with aspartic acid, which is acidic and polar, at codon 206 of the HNRNPU protein (p.Gly206Asp). This variant is not present in population databases (gnomAD no frequency). This variant has not been reported in the literature in individuals affected with HNRNPU-related conditions. Invitae Evidence Modeling of protein sequence and biophysical properties (such as structural, functional, and spatial information, amino acid conservation, physicochemical variation, residue mobility, and thermodynamic stability) indicates that this missense variant is not expected to disrupt HNRNPU protein function with a negative predictive value of 95%. In summary, the available evidence is currently insufficient to determine the role of this variant in disease. Therefore, it has been classified as a Variant of Uncertain Significance.